The following is an entry in ClinVar:

NM_000326.5(RLBP1):c.306A>C (p.Ala102=)

Gene: RLBP1 (retinaldehyde binding protein 1; minus strand). Cytogenetic location: 15q26.1.
Variant type: single nucleotide variant.
Coding change: c.306A>C on transcript NM_000326.5 (MANE Select); coding-DNA position 306, A replaced by C.
Protein change: p.Ala102=; no amino-acid change (alanine 102 retained).
Molecular consequence: synonymous variant.
Genome position (GRCh38, 1-based): chr15:89,217,160, T>G on the plus strand (A>C on the coding strand, the complement: RLBP1 is on the minus strand). VCF-style: chr15-89217160-T-G. GRCh37 (hg19) VCF-style: chr15-89760391-T-G.
Identifiers: ClinVar variation 317239 (VCV000317239.32), dbSNP rs143817941, ClinGen allele CA7722327.

ClinVar aggregate classification (germline): Conflicting classifications of pathogenicity. Review status: criteria provided, conflicting classifications (1 of 4 stars). 8 submissions from 6 submitters: Uncertain significance (1); Benign (4); Likely benign (1). 2 of the submissions do not count toward it. Last evaluated 2026-01-26.

Conditions:
Retinitis pigmentosa (RP). Identifiers: Orphanet 791, MedGen C0035334, MeSH D012174, MONDO:0019200, OMIM 268000. Inheritance: Autosomal dominant, autosomal recessive and X linked inheritance.
Newfoundland cone-rod dystrophy. Identifiers: MedGen C1843815, MONDO:0011839, OMIM 607476.
Pigmentary retinal dystrophy. Also called: Fundus albipunctatus. Identifiers: Orphanet 227796, Orphanet 52427, MedGen C0311338, MONDO:0007639, OMIM 136880, HP:0030642.
Retinal dystrophy. Also called: Inherited retinal dystrophy. Identifiers: Orphanet 71862, MedGen C0854723, MeSH D058499, MONDO:0019118, HP:0000556.

Allele frequency attached by ClinVar (database versions not stated): gnomAD 0.00049 and 0.00085; TOPMed 0.00098; gnomAD exomes 0.00099 and 0.00205; ExAC 0.00212; 1000 Genomes Project 30x 0.00234; 1000 Genomes Project 0.00280.
gnomAD v4.1: 1,576 of 1,614,112 alleles (0.098%); highest among the groups gnomAD compares: East Asian, 1.4%; 14 homozygotes.

Submissions (8):

Labcorp Genetics (formerly Invitae), Labcorp
Classification: Benign. Last evaluated: 2026-01-26. Review status: criteria provided, single submitter. Criteria: Invitae Variant Classification Sherloc (09022015). Collection method: clinical testing. Allele origin: germline.

CeGaT Center for Human Genetics Tuebingen
Classification: Benign. Last evaluated: 2024-12-01. Review status: criteria provided, single submitter. Criteria: CeGaT Center For Human Genetics Tuebingen Variant Classification Criteria Version 2. Collection method: clinical testing. Allele origin: germline. Affected: yes. Observed: 1 variant allele.
Comment: RLBP1: BP4, BP7, BS1, BS2

Dept Of Ophthalmology, Nagoya University
Classification: Benign for Retinal dystrophy. Last evaluated: 2023-10-01. Review status: criteria provided, single submitter. Criteria: Submitter's publication. Collection method: research. Allele origin: germline. Affected: yes.

Illumina Laboratory Services, Illumina
Classification: Benign for Newfoundland cone-rod dystrophy. Last evaluated: 2018-01-13. Review status: criteria provided, single submitter. Criteria: ICSL Variant Classification Criteria 13 December 2019. Collection method: clinical testing. Allele origin: germline.
Comment: This variant was observed in the ICSL laboratory as part of a predisposition screen in an ostensibly healthy population. It had not been previously curated by ICSL or reported in the Human Gene Mutation Database (HGMD: prior to June 1st, 2018), and was therefore a candidate for classification through an automated scoring system. Utilizing variant allele frequency, disease prevalence and penetrance estimates, and inheritance mode, an automated score was calculated to assess if this variant is too frequent to cause the disease. Based on the score and internal cut-off values, a variant classified as benign is not then subjected to further curation. The score for this variant resulted in a classification of benign for this disease.

Illumina Laboratory Services, Illumina
Classification: Likely benign for Pigmentary retinal dystrophy. Last evaluated: 2018-01-13. Review status: criteria provided, single submitter. Criteria: ICSL Variant Classification Criteria 13 December 2019. Collection method: clinical testing. Allele origin: germline.
Comment: This variant was observed in the ICSL laboratory as part of a predisposition screen in an ostensibly healthy population. It had not been previously curated by ICSL or reported in the Human Gene Mutation Database (HGMD: prior to June 1st, 2018), and was therefore a candidate for classification through an automated scoring system. Utilizing variant allele frequency, disease prevalence and penetrance estimates, and inheritance mode, an automated score was calculated to assess if this variant is too frequent to cause the disease. Based on the score and internal cut-off values, a variant classified as likely benign is not then subjected to further curation. The score for this variant resulted in a classification of likely benign for this disease.

Illumina Laboratory Services, Illumina
Classification: Uncertain significance for Retinitis pigmentosa. Last evaluated: 2018-01-13. Review status: criteria provided, single submitter. Criteria: ICSL Variant Classification Criteria 13 December 2019. Collection method: clinical testing. Allele origin: germline.

Clinical Genetics DNA and cytogenetics Diagnostics Lab, Erasmus MC, Erasmus Medical Center
Classification: Benign. Review status: no assertion criteria provided. Collection method: clinical testing. Allele origin: germline. Affected: yes. Study: VKGL Data-share Consensus. Not counted in ClinVar's aggregate classification.

Clinical Genetics, Academic Medical Center
Classification: Likely benign. Review status: no assertion criteria provided. Collection method: clinical testing. Allele origin: germline. Affected: yes. Study: VKGL Data-share Consensus. Not counted in ClinVar's aggregate classification.